The following is an entry in ClinVar:

NM_014314.4(RIGI):c.2222T>C (p.Leu741Pro)

Gene: RIGI (RNA sensor RIG-I; minus strand). Cytogenetic location: 9p21.1.
Variant type: single nucleotide variant.
Coding change: c.2222T>C on transcript NM_014314.4 (MANE Select); coding-DNA position 2222, T replaced by C.
Protein change: p.Leu741Pro; replaces leucine 741 with proline.
Molecular consequence: missense variant.
Genome position (GRCh38, 1-based): chr9:32,466,405, A>G on the plus strand (T>C on the coding strand, the complement: RIGI is on the minus strand). VCF-style: chr9-32466405-A-G. GRCh37 (hg19) VCF-style: chr9-32466403-A-G.
Other names: p.Leu741Pro; c.2216T>C, p.Leu739Pro (NM_001385907.1); c.2051T>C, p.Leu684Pro (NM_001385909.1); c.1781T>C, p.Leu594Pro (NM_001385910.1); c.1613T>C, p.Leu538Pro (NM_001385912.1); c.2207T>C, p.Leu736Pro (NM_001385913.1); c.1778T>C, p.Leu593Pro (NM_001385914.1); short protein forms L684P, L736P, L739P, L593P, L538P, L594P, L741P.
Identifiers: ClinVar variation 4541424 (VCV004541424.1).

ClinVar aggregate classification (germline): Uncertain significance (1 of 4 stars; one submission).

Submission:

Mayo Clinic Laboratories, Mayo Clinic
Classification: Uncertain significance. Last evaluated: 2025-04-21. Review status: criteria provided, single submitter. Criteria: ACMG Guidelines, 2015. Collection method: clinical testing. Allele origin: germline. Observed: 1 variant allele.
Comment: PM2_supporting